The following is an entry in ClinVar:

NM_139321.3(ATRN):c.1283A>G (p.Asn428Ser)

Gene: ATRN (attractin; plus strand). Cytogenetic location: 20p13.
Variant type: single nucleotide variant.
Coding change: c.1283A>G on transcript NM_139321.3 (MANE Select); coding-DNA position 1283, A replaced by G.
Protein change: p.Asn428Ser; replaces asparagine 428 with serine.
Molecular consequence: missense variant.
Genome position (GRCh38, 1-based): chr20:3,560,741, A>G. VCF-style: chr20-3560741-A-G. GRCh37 (hg19) VCF-style: chr20-3541388-A-G.
Other names: c.935A>G, p.Asn312Ser (NM_001207047.3); c.1283A>G, p.Asn428Ser (NM_001323332.2, NM_139322.4); short protein forms N312S, N428S.
Identifiers: ClinVar variation 2979553 (VCV002979553.3), dbSNP rs756987532, ClinGen allele CA9744017.

ClinVar aggregate classification (germline): Uncertain significance (1 of 4 stars; one submission).

Allele frequency attached by ClinVar (database versions not stated): ExAC 0.00001; gnomAD 0.00001; gnomAD exomes 0.00001; TOPMed 0.00001.
gnomAD v4.1: 5 of 1,614,008 alleles (0.00031%); highest among the groups gnomAD compares: Admixed American, 0.0083%; no homozygotes.

Submission:

Labcorp Genetics (formerly Invitae), Labcorp
Classification: Uncertain significance. Last evaluated: 2023-12-30. Review status: criteria provided, single submitter. Criteria: Invitae Variant Classification Sherloc (09022015). Collection method: clinical testing. Allele origin: germline.
Comment: This sequence change replaces asparagine, which is neutral and polar, with serine, which is neutral and polar, at codon 428 of the ATRN protein (p.Asn428Ser). This variant is present in population databases (rs756987532, gnomAD 0.01%). This variant has not been reported in the literature in individuals affected with ATRN-related conditions. An algorithm developed to predict the effect of missense changes on protein structure and function (PolyPhen-2) suggests that this variant is likely to be tolerated. In summary, the available evidence is currently insufficient to determine the role of this variant in disease. Therefore, it has been classified as a Variant of Uncertain Significance.